The following is an entry in ClinVar:

NM_001379200.1(TBX1):c.1348C>G (p.Leu450Val)

Gene: TBX1 (T-box transcription factor 1; plus strand). Cytogenetic location: 22q11.21.
Variant type: single nucleotide variant.
Coding change: c.1348C>G on transcript NM_001379200.1 (MANE Select); coding-DNA position 1348, C replaced by G.
Protein change: p.Leu450Val; replaces leucine 450 with valine.
Molecular consequence: missense variant. On other transcripts: intron variant (2).
Genome position (GRCh38, 1-based): chr22:19,766,700, C>G. VCF-style: chr22-19766700-C-G. GRCh37 (hg19) VCF-style: chr22-19754223-C-G.
Other names: c.1321C>G, p.Leu441Val (NM_080647.1); c.1009+698C>G (NM_005992.1, NM_080646.2); short protein forms L441V, L450V.
Identifiers: ClinVar variation 1063717 (VCV001063717.9), dbSNP rs751740430, ClinGen allele CA10102721.

ClinVar aggregate classification (germline): Uncertain significance (1 of 4 stars; one submission).

Conditions:
DiGeorge syndrome. Also called: Catch22; THIRD AND FOURTH PHARYNGEAL POUCH SYNDROME. Identifiers: Orphanet 567, MedGen C0012236, MONDO:0008564, OMIM 188400.

Allele frequency attached by ClinVar (database versions not stated): TOPMed below 0.00001; ExAC 0.00003.

Submission:

Labcorp Genetics (formerly Invitae), Labcorp
Classification: Uncertain significance for DiGeorge syndrome. Last evaluated: 2023-02-08. Review status: criteria provided, single submitter. Criteria: Invitae Variant Classification Sherloc (09022015). Collection method: clinical testing. Allele origin: germline.
Comment: This sequence change replaces leucine, which is neutral and non-polar, with valine, which is neutral and non-polar, at codon 441 of the TBX1 protein (p.Leu441Val). This variant is present in population databases (rs751740430, gnomAD 0.01%). In summary, the available evidence is currently insufficient to determine the role of this variant in disease. Therefore, it has been classified as a Variant of Uncertain Significance. Algorithms developed to predict the effect of missense changes on protein structure and function (SIFT, PolyPhen-2, Align-GVGD) all suggest that this variant is likely to be tolerated. ClinVar contains an entry for this variant (Variation ID: 1063717). This variant has not been reported in the literature in individuals affected with TBX1-related conditions.